The following is an entry in ClinVar:

ClinVar aggregate classification (germline): Uncertain significance (1 of 4 stars; one submission).

Conditions:
Inborn genetic diseases. Identifiers: MedGen C0950123, MeSH D030342.

Submission:

Ambry Genetics
Classification: Uncertain significance for Inborn genetic diseases. Last evaluated: 2022-01-10. Review status: criteria provided, single submitter. Criteria: Ambry Variant Classification Scheme 2023. Collection method: clinical testing. Allele origin: germline.
Comment: The p.E149Q variant (also known as c.445G>C), located in coding exon 5 of the AKT1 gene, results from a G to C substitution at nucleotide position 445. The glutamic acid at codon 149 is replaced by glutamine, an amino acid with highly similar properties. This amino acid position is conserved. In addition, this alteration is predicted to be tolerated by in silico analysis. Since supporting evidence is limited at this time, the clinical significance of this alteration remains unclear.

NM_001382430.1(AKT1):c.445G>C (p.Glu149Gln)

Gene: AKT1 (AKT serine/threonine kinase 1; minus strand). Cytogenetic location: 14q32.33.
Variant type: single nucleotide variant.
Coding change: c.445G>C on transcript NM_001382430.1 (MANE Select); coding-DNA position 445, G replaced by C.
Protein change: p.Glu149Gln; replaces glutamic acid 149 with glutamine.
Molecular consequence: missense variant.
Genome position (GRCh38, 1-based): chr14:104,775,198, C>G on the plus strand (G>C on the coding strand, the complement: AKT1 is on the minus strand). VCF-style: chr14-104775198-C-G. GRCh37 (hg19) VCF-style: chr14-105241535-C-G.
Other names: c.445G>C, p.Glu149Gln (NM_001014431.2, NM_001014432.2, NM_001382431.1 and 3 more transcripts); short protein forms E149Q.
Identifiers: ClinVar variation 1740770 (VCV001740770.2), dbSNP rs1892631592, ClinGen allele CA391219809.